The following is an entry in ClinVar:

ClinVar aggregate classification (germline): Conflicting classifications of pathogenicity. Review status: criteria provided, conflicting classifications (1 of 4 stars). 7 submissions from 7 submitters: Uncertain significance (2); Likely benign (4). 1 of the submissions does not count toward it. Last evaluated 2025-12-03.

Conditions:
Cardiovascular phenotype. Identifiers: MedGen CN230736.
TTN-related disorder. Also called: TTN-related disorders; TTN-related condition; TTN-related disease.
Autosomal recessive limb-girdle muscular dystrophy type 2J (LGMDR10). Also called: Limb-girdle muscular dystrophy, type 2J; MUSCULAR DYSTROPHY, LIMB-GIRDLE, AUTOSOMAL RECESSIVE 10. Identifiers: Orphanet 140922, MedGen C1837342, MONDO:0012127, OMIM 608807.
Dilated cardiomyopathy 1G (CMD1G). Identifiers: Orphanet 154, MedGen C1858763, MONDO:0011400, OMIM 604145.

Allele frequency attached by ClinVar (database versions not stated): TOPMed 0.00002; 1000 Genomes Project 30x 0.00062; 1000 Genomes Project 0.00080.
gnomAD v4.1: 223 of 1,613,674 alleles (0.014%); highest among the groups gnomAD compares: South Asian, 0.22%; 4 homozygotes.

Submissions (7):

Labcorp Genetics (formerly Invitae), Labcorp
Classification: Likely benign for Dilated cardiomyopathy 1G; Autosomal recessive limb-girdle muscular dystrophy type 2J. Last evaluated: 2025-12-03. Review status: criteria provided, single submitter. Criteria: Invitae Variant Classification Sherloc (09022015). Collection method: clinical testing. Allele origin: germline.

CeGaT Center for Human Genetics Tuebingen
Classification: Likely benign. Last evaluated: 2024-02-01. Review status: criteria provided, single submitter. Criteria: CeGaT Center For Human Genetics Tuebingen Variant Classification Criteria Version 2. Collection method: clinical testing. Allele origin: germline. Affected: yes. Observed: 1 variant allele.
Comment: TTN: BP4, BS2

Ambry Genetics
Classification: Likely benign for Cardiovascular phenotype. Last evaluated: 2019-12-23. Review status: criteria provided, single submitter. Criteria: Ambry Variant Classification Scheme 2023. Collection method: clinical testing. Allele origin: germline.

Revvity Omics, Revvity
Classification: Uncertain significance. Last evaluated: 2019-06-28. Review status: criteria provided, single submitter. Criteria: ACMG Guidelines, 2015. Collection method: clinical testing. Allele origin: germline.

GeneDx
Classification: Likely benign. Last evaluated: 2017-06-20. Review status: criteria provided, single submitter. Criteria: GeneDx Variant Classification (06012015). Collection method: clinical testing. Allele origin: germline. Affected: yes.
Comment: This variant is considered likely benign or benign based on one or more of the following criteria: it is a conservative change, it occurs at a poorly conserved position in the protein, it is predicted to be benign by multiple in silico algorithms, and/or has population frequency not consistent with disease.

Eurofins Ntd Llc (ga)
Classification: Uncertain significance. Last evaluated: 2015-09-10. Review status: criteria provided, single submitter. Criteria: EGL Classification Definitions 2015. Collection method: clinical testing. Allele origin: germline. Observed: 3 variant alleles, 3 heterozygotes.

PreventionGenetics, part of Exact Sciences
Classification: Likely benign for TTN-related condition. Last evaluated: 2022-06-13. Review status: no assertion criteria provided. Collection method: clinical testing. Allele origin: germline. Not counted in ClinVar's aggregate classification.
Comment: This variant is classified as likely benign based on ACMG/AMP sequence variant interpretation guidelines (Richards et al. 2015 PMID: 25741868, with internal and published modifications).

NM_001267550.2(TTN):c.79883G>A (p.Arg26628Gln)

Genes: TTN (titin; minus strand), TTN-AS1 (TTN antisense RNA 1; plus strand). Cytogenetic location: 2q31.2.
Variant type: single nucleotide variant.
Coding change: c.79883G>A on transcript NM_001267550.2 (MANE Select); coding-DNA position 79883, G replaced by A.
Protein change: p.Arg26628Gln; replaces arginine 26628 with glutamine.
Molecular consequence: missense variant.
Genome position (GRCh38, 1-based): chr2:178,566,249, C>T on the plus strand (G>A on the coding strand, the complement: TTN is on the minus strand). VCF-style: chr2-178566249-C-T. GRCh37 (hg19) VCF-style: chr2-179430976-C-T.
Other names: c.74960G>A, p.Arg24987Gln (NM_001256850.1); c.52688G>A, p.Arg17563Gln (NM_003319.4); c.72179G>A, p.Arg24060Gln (NM_133378.4); c.53063G>A, p.Arg17688Gln (NM_133432.3); c.53264G>A, p.Arg17755Gln (NM_133437.4); short protein forms R24060Q, R26628Q, R24987Q, R17688Q, R17755Q, R17563Q.
Identifiers: ClinVar variation 283297 (VCV000283297.43), dbSNP rs201091376, ClinGen allele CA1989421.